The following is an entry in ClinVar:

ClinVar aggregate classification (germline): Uncertain significance (1 of 4 stars; one submission).

Conditions:
Left ventricular noncompaction 8 (LVNC8). Identifiers: Orphanet 154, Orphanet 54260, MedGen C3809288, MONDO:0014152, OMIM 615373.

Allele frequency attached by ClinVar (database versions not stated): gnomAD 0.00001; TOPMed 0.00001.
gnomAD v4.1: 10 of 1,602,232 alleles (0.00062%); highest among the groups gnomAD compares: African/African-American, 0.0013%; no homozygotes.

Submission:

Labcorp Genetics (formerly Invitae), Labcorp
Classification: Uncertain significance for Left ventricular noncompaction 8. Last evaluated: 2020-08-29. Review status: criteria provided, single submitter. Criteria: Invitae Variant Classification Sherloc (09022015). Collection method: clinical testing. Allele origin: germline.
Comment: This sequence change replaces arginine with histidine at codon 357 of the PRDM16 protein (p.Arg357His). The arginine residue is highly conserved and there is a small physicochemical difference between arginine and histidine. This variant is not present in population databases (ExAC no frequency). This variant has not been reported in the literature in individuals with PRDM16-related conditions. Algorithms developed to predict the effect of missense changes on protein structure and function are either unavailable or do not agree on the potential impact of this missense change (SIFT: "Deleterious"; PolyPhen-2: "Probably Damaging"; Align-GVGD: "Class C0"). In summary, the available evidence is currently insufficient to determine the role of this variant in disease. Therefore, it has been classified as a Variant of Uncertain Significance.

NM_022114.4(PRDM16):c.1070G>A (p.Arg357His)

Gene: PRDM16 (PR/SET domain 16; plus strand). Cytogenetic location: 1p36.32.
Variant type: single nucleotide variant.
Coding change: c.1070G>A on transcript NM_022114.4 (MANE Select); coding-DNA position 1070, G replaced by A.
Protein change: p.Arg357His; replaces arginine 357 with histidine.
Molecular consequence: missense variant.
Genome position (GRCh38, 1-based): chr1:3,405,532, G>A. VCF-style: chr1-3405532-G-A. GRCh37 (hg19) VCF-style: chr1-3322096-G-A.
Other names: c.1070G>A, p.Arg357His (NM_199454.3); short protein forms R357H.
Identifiers: ClinVar variation 1038427 (VCV001038427.8), dbSNP rs1182753304, ClinGen allele CA338005292.